The following is an entry in ClinVar:

ClinVar aggregate classification (germline): Pathogenic (0 of 4 stars; one submission).

Conditions:
Sideroblastic anemia 2. Also called: Anemia, sideroblastic, 2, pyridoxine-refractory. Identifiers: Orphanet 260305, MedGen C4225425, MONDO:0008785, OMIM 205950.

Submission:

Genetic Lab, Shahid Chamran University of Ahvaz
Classification: Pathogenic for Sideroblastic anemia 2. Last evaluated: 2023-07-23. Review status: no assertion criteria provided. Collection method: research. Allele origin: germline. Inheritance: Autosomal recessive inheritance. Affected: yes and no. Observed: 3 variant alleles, 2 heterozygotes, 1 homozygote.
Comment: The c.220_221insTTCA ( p.Leu75HisfsTer79), is a frameshift variant in exon 3 of SLC25A38 gene which is predicted to result in changes the reading frame of a coding gene and likely results in a shortened or non-functional protein product. A frameshift mutation leads to production of proteins that are completely different in terms of sequences and chemical composition. The mutation closer to the 5′ end can cause further changes in the protein. Considering that this variant has occurred in the initial exons of the gene, it is predicted that the 4-bp insertion will have significant effects on the protein structure and leads to instability and dysfunction of the protein. Bioinformatic analysis of protein structure also confirmed significant changes in protein structure.

Literature cited by the submitters: DOI 10.1016/j.humgen.2023.201256.

NM_017875.4(SLC25A38):c.221_222insTCAT (p.Leu75fs)

Gene: SLC25A38 (solute carrier family 25 member 38; plus strand). Cytogenetic location: 3p22.1.
Variant type: Insertion.
Coding change: c.221_222insTCAT on transcript NM_017875.4 (MANE Select); coding-DNA positions 221 to 222, TCAT inserted.
Protein change: p.Leu75fs; shifts the reading frame from leucine 75.
Molecular consequence: frameshift variant.
Genome position: GRCh38 VCF-style: chr3-39390451-C-CTTCA. GRCh37 (hg19) VCF-style: chr3-39431942-C-CTTCA.
Other names: c.220_221insTTCA (NM_017875.4); c.221_222insTCAT, p.Leu75fs (NM_001354798.2); short protein forms L75fs.
Identifiers: ClinVar variation 4082126 (VCV004082126.1).
Genomic context (GRCh38, chr3:39,390,451, plus strand): 5'-TTCCTTCCTGTCTCCATTTTGTCTGCTTTCAGGTCTAGACGTGTTGGGATGTTGGCTGTA[C>CTTCA]TCTTGAAGGTGGTTCGCACGGAGAGTCTTTTGGGCCTTTGGAAAGGGATGTCCCCTGTAA-3'